The following is an entry in ClinVar:

NC_000014.9:g.100860746G>C

Gene: MEG3 (maternally expressed 3; plus strand). Cytogenetic location: 14q32.2.
Variant type: single nucleotide variant.
Molecular consequence: non-coding transcript variant (on NR_002766.2).
Genome position: GRCh38 VCF-style: chr14-100860746-G-C. GRCh37 (hg19) VCF-style: chr14-101327083-G-C.
Identifiers: ClinVar variation 3044354 (VCV003044354.2), dbSNP rs142677044, ClinGen allele CA7346903.

ClinVar aggregate classification (germline): Benign (0 of 4 stars; one submission).

Conditions:
MEG3-related disorder. Also called: MEG3-related condition.

Allele frequency attached by ClinVar (database versions not stated): 1000 Genomes Project 0.00899; 1000 Genomes Project 30x 0.00984; TOPMed 0.01104; gnomAD 0.00536.
gnomAD v4.1: 3,704 of 456,050 alleles (0.81%); highest among the groups gnomAD compares: Admixed American, 7.4%; 191 homozygotes.

Submission:

PreventionGenetics, part of Exact Sciences
Classification: Benign for MEG3-related condition. Last evaluated: 2019-11-15. Review status: no assertion criteria provided. Collection method: clinical testing. Allele origin: germline.
Comment: This variant is classified as benign based on ACMG/AMP sequence variant interpretation guidelines (Richards et al. 2015 PMID: 25741868, with internal and published modifications).